The following is an entry in ClinVar:

ClinVar aggregate classification (germline): Uncertain significance. Review status: criteria provided, multiple submitters, no conflicts (2 of 4 stars). 3 submissions from 3 submitters: Uncertain significance (3). Last evaluated 2024-03-19.

Conditions:
Classic or attenuated familial adenomatous polyposis. Identifiers: MedGen CN372698, MONDO:0021057.
Hereditary cancer-predisposing syndrome. Also called: Neoplastic Syndromes, Hereditary; Hereditary neoplastic syndrome; Tumor predisposition; Hereditary Cancer Syndrome. Identifiers: Orphanet 140162, MedGen C0027672, MeSH D009386, MONDO:0015356.
Familial adenomatous polyposis 1 (FAP1). Also called: FAMILIAL ADENOMATOUS POLYPOSIS 1, ATTENUATED; POLYPOSIS, ADENOMATOUS INTESTINAL. Identifiers: MedGen C2713442, MONDO:0021056, OMIM 175100. Disease mechanism: loss of function.

Submissions (3):

Ambry Genetics
Classification: Uncertain significance for Hereditary cancer-predisposing syndrome. Last evaluated: 2024-03-19. Review status: criteria provided, single submitter. Criteria: Ambry Variant Classification Scheme 2023. Collection method: clinical testing. Allele origin: germline.
Comment: The p.S2469T variant (also known as c.7405T>A), located in coding exon 15 of the APC gene, results from a T to A substitution at nucleotide position 7405. The serine at codon 2469 is replaced by threonine, an amino acid with similar properties. This amino acid position is conserved. In addition, in silico predictors for this gene do not accurately predict pathogenicity. Based on the available evidence, the clinical significance of this alteration remains unclear.

Labcorp Genetics (formerly Invitae), Labcorp
Classification: Uncertain significance for Familial adenomatous polyposis 1. Last evaluated: 2024-01-13. Review status: criteria provided, single submitter. Criteria: Invitae Variant Classification Sherloc (09022015). Collection method: clinical testing. Allele origin: germline.
Comment: This sequence change replaces serine, which is neutral and polar, with threonine, which is neutral and polar, at codon 2469 of the APC protein (p.Ser2469Thr). This variant is not present in population databases (gnomAD no frequency). This variant has not been reported in the literature in individuals affected with APC-related conditions. Advanced modeling of protein sequence and biophysical properties (such as structural, functional, and spatial information, amino acid conservation, physicochemical variation, residue mobility, and thermodynamic stability) performed at Invitae indicates that this missense variant is not expected to disrupt APC protein function with a negative predictive value of 95%. In summary, the available evidence is currently insufficient to determine the role of this variant in disease. Therefore, it has been classified as a Variant of Uncertain Significance.

All of Us Research Program, National Institutes of Health
Classification: Uncertain significance for Classic or attenuated familial adenomatous polyposis. Last evaluated: 2023-10-06. Review status: criteria provided, single submitter. Criteria: ACMG Guidelines, 2015. Collection method: clinical testing. Allele origin: germline. Inheritance: Autosomal dominant inheritance. Observed: 1 variant allele, 1 heterozygote.
Comment: This missense variant replaces serine with threonine at codon 2469 of the APC protein. Computational prediction suggests that this variant may not impact protein structure and function (internally defined REVEL score threshold <= 0.5, PMID: 27666373). To our knowledge, functional studies have not been reported for this variant. This variant has not been reported in individuals affected with APC-related disorders in the literature. This variant has not been identified in the general population by the Genome Aggregation Database (gnomAD). The available evidence is insufficient to determine the role of this variant in disease conclusively. Therefore, this variant is classified as a Variant of Uncertain Significance.

This study involves interpretation of variants in research participants for the purpose of population health screening. Participant phenotype was not available at the time of variant classification. Additional details can be found in publication PMID: 35346344, PMCID: PMC8962531

NM_000038.6(APC):c.7405T>A (p.Ser2469Thr)

Gene: APC (APC regulator of Wnt signaling pathway; plus strand). Cytogenetic location: 5q22.2.
Variant type: single nucleotide variant.
Coding change: c.7405T>A on transcript NM_000038.6 (MANE Select); coding-DNA position 7405, T replaced by A.
Protein change: p.Ser2469Thr; replaces serine 2469 with threonine.
Molecular consequence: missense variant. On other transcripts: non-coding transcript variant (2).
Genome position (GRCh38, 1-based): chr5:112,842,999, T>A. VCF-style: chr5-112842999-T-A. GRCh37 (hg19) VCF-style: chr5-112178696-T-A.
Other names: c.7405T>A, p.Ser2469Thr (NM_001127510.3, NM_001354895.2, NM_001407450.1); c.7351T>A, p.Ser2451Thr (NM_001127511.3); c.7459T>A, p.Ser2487Thr (NM_001354896.2, NM_001407447.1, NM_001407448.1 and 1 more transcripts); c.7435T>A, p.Ser2479Thr (NM_001354897.2); c.7330T>A, p.Ser2444Thr (NM_001354898.2); c.7321T>A, p.Ser2441Thr (NM_001354899.2); c.7282T>A, p.Ser2428Thr (NM_001354900.2); c.7228T>A, p.Ser2410Thr (NM_001354901.2, NM_001407453.1); and 12 more; short protein forms S2368T, S2469T, S2309T, S2343T, S2378T, S2428T, S2441T, S2386T.
Identifiers: ClinVar variation 2889310 (VCV002889310.5), dbSNP rs1561615239, ClinGen allele CA16037449.